The following is an entry in ClinVar:

NM_000362.5(TIMP3):c.567C>T (p.Gly189=)

Genes: SYN3 (synapsin III; minus strand), TIMP3 (TIMP metallopeptidase inhibitor 3; plus strand). Cytogenetic location: 22q12.3.
Variant type: single nucleotide variant.
Coding change: c.567C>T on transcript NM_000362.5 (MANE Select); coding-DNA position 567, C replaced by T.
Protein change: p.Gly189=; no amino-acid change (glycine 189 retained).
Molecular consequence: synonymous variant. On other transcripts: intron variant (7).
Genome position (GRCh38, 1-based): chr22:32,859,308, C>T. VCF-style: chr22-32859308-C-T. GRCh37 (hg19) VCF-style: chr22-33255295-C-T.
Other names: c.708+5607G>A (NM_001369909.1, NM_001135774.2, NM_001369910.1); c.711+5607G>A (NM_001369907.1, NM_003490.4, NM_001369908.1 and 1 more transcripts).
Identifiers: ClinVar variation 1170821 (VCV001170821.12), dbSNP rs753287182, ClinGen allele CA10202286.

ClinVar aggregate classification (germline): Benign/Likely benign. Review status: criteria provided, multiple submitters, no conflicts (2 of 4 stars). 3 submissions from 3 submitters: Benign (1); Likely benign (1). 1 of the submissions does not count toward it. Last evaluated 2026-01-19.

Conditions:
TIMP3-related disorder. Also called: TIMP3-related condition.

Allele frequency attached by ClinVar (database versions not stated): gnomAD 0.00003 and 0.00004; ExAC 0.00029.
gnomAD v4.1: 129 of 1,613,998 alleles (0.008%); highest among the groups gnomAD compares: Admixed American, 0.12%; no homozygotes.

Submissions (3):

Labcorp Genetics (formerly Invitae), Labcorp
Classification: Benign. Last evaluated: 2026-01-19. Review status: criteria provided, single submitter. Criteria: Invitae Variant Classification Sherloc (09022015). Collection method: clinical testing. Allele origin: germline.

Blueprint Genetics
Classification: Likely benign. Last evaluated: 2024-05-31. Review status: criteria provided, single submitter. Criteria: ACMG Guidelines, 2015. Collection method: clinical testing. Allele origin: germline.

PreventionGenetics, part of Exact Sciences
Classification: Likely benign for TIMP3-related condition. Last evaluated: 2019-07-16. Review status: no assertion criteria provided. Collection method: clinical testing. Allele origin: germline. Not counted in ClinVar's aggregate classification.
Comment: This variant is classified as likely benign based on ACMG/AMP sequence variant interpretation guidelines (Richards et al. 2015 PMID: 25741868, with internal and published modifications).